The following is an entry in ClinVar:

NM_004304.5(ALK):c.1029G>T (p.Glu343Asp)

Gene: ALK (ALK receptor tyrosine kinase; minus strand). Cytogenetic location: 2p23.2.
Variant type: single nucleotide variant.
Coding change: c.1029G>T on transcript NM_004304.5 (MANE Select); coding-DNA position 1029, G replaced by T.
Protein change: p.Glu343Asp; replaces glutamic acid 343 with aspartic acid.
Molecular consequence: missense variant.
Genome position (GRCh38, 1-based): chr2:29,532,040, C>A on the plus strand (G>T on the coding strand, the complement: ALK is on the minus strand). VCF-style: chr2-29532040-C-A. GRCh37 (hg19) VCF-style: chr2-29754906-C-A.
Other names: short protein forms E343D.
Identifiers: ClinVar variation 948373 (VCV000948373.9), dbSNP rs750010561, ClinGen allele CA346587421.
Genomic context (GRCh38, chr2:29,532,040, plus strand): 5'-GGCAATGTACCTTCCAGAGGGCTGCAGGTGCCTGTGCACCGAGACGGCCAGTGTGCAGTG[C>A]TCACTGCTGCTCCTCATCCACGGACTCAGGATGGTGTGCTTGGAGTCAGCTGAGGTGTTG-3'
Protein context (NP_004295.2, residues 333-353): ILSPWMRSSS[Glu343Asp]HCTLAVSVHR

ClinVar aggregate classification (germline): Uncertain significance (1 of 4 stars; one submission).

Conditions:
Neuroblastoma, susceptibility to, 3. Also called: ALK-Related Neuroblastic Tumor Susceptibility. Identifiers: Orphanet 635, MedGen C2751681, MONDO:0013083, OMIM 613014.

Submission:

Labcorp Genetics (formerly Invitae), Labcorp
Classification: Uncertain significance for Neuroblastoma, susceptibility to, 3. Last evaluated: 2022-07-19. Review status: criteria provided, single submitter. Criteria: Invitae Variant Classification Sherloc (09022015). Collection method: clinical testing. Allele origin: germline.
Comment: In summary, the available evidence is currently insufficient to determine the role of this variant in disease. Therefore, it has been classified as a Variant of Uncertain Significance. Algorithms developed to predict the effect of missense changes on protein structure and function output the following: SIFT: "Tolerated"; PolyPhen-2: "Benign"; Align-GVGD: "Class C0". The aspartic acid amino acid residue is found in multiple mammalian species, which suggests that this missense change does not adversely affect protein function. ClinVar contains an entry for this variant (Variation ID: 948373). This variant has not been reported in the literature in individuals affected with ALK-related conditions. This variant is not present in population databases (gnomAD no frequency). This sequence change replaces glutamic acid, which is acidic and polar, with aspartic acid, which is acidic and polar, at codon 343 of the ALK protein (p.Glu343Asp).